The following is an entry in ClinVar:

ClinVar aggregate classification (germline): Uncertain significance (1 of 4 stars; one submission).

Conditions:
Pityriasis rubra pilaris (PRP). Also called: Pityriasis rubra pilaris--familial type. Identifiers: Orphanet 2897, MedGen C0032027, MONDO:0100017, OMIM 173200, MONDO:0008251.
Psoriasis 2. Identifiers: MedGen C1864497, MONDO:0011269, OMIM 602723.

Submission:

Labcorp Genetics (formerly Invitae), Labcorp
Classification: Uncertain significance for Pityriasis rubra pilaris; Psoriasis 2. Last evaluated: 2023-07-07. Review status: criteria provided, single submitter. Criteria: Invitae Variant Classification Sherloc (09022015). Collection method: clinical testing. Allele origin: germline.
Comment: This variant has not been reported in the literature in individuals affected with CARD14-related conditions. This variant results in the deletion of part of exon 13 (c.1788_1851+28del) of the CARD14 gene. It is expected to disrupt RNA splicing. Variants that disrupt the donor or acceptor splice site typically lead to a loss of protein function (PMID: 16199547), however the current clinical and genetic evidence is not sufficient to establish whether loss-of-function variants in CARD14 cause disease. This variant is present in population databases (no rsID available, gnomAD 0.0009%). ClinVar contains an entry for this variant (Variation ID: 2019700). Algorithms developed to predict the effect of sequence changes on RNA splicing suggest that this variant may disrupt the consensus splice site. In summary, the available evidence is currently insufficient to determine the role of this variant in disease. Therefore, it has been classified as a Variant of Uncertain Significance.

Literature cited by the submitters: PubMed 16199547.

NM_001366385.1(CARD14):c.1793_1851+33del

Gene: CARD14 (caspase recruitment domain family member 14; plus strand). Cytogenetic location: 17q25.3.
Variant type: Deletion.
Coding change: c.1793_1851+33del on transcript NM_001366385.1 (MANE Select); coding-DNA position 1793 through 33 bases into the intron after coding-DNA position 1851, 92 bases deleted.
Molecular consequence: splice donor variant. On other transcripts: frameshift variant (1).
Genome position (GRCh38, 1-based): chr17:80,198,533-80,198,624, 92 bases deleted. GRCh37 (hg19): chr17:78,172,332-78,172,423.
Other names: c.1082_1173del, p.Val361fs (NM_052819.3); c.1793_1851+33del (NM_024110.4, NM_001257970.1); short protein forms V361fs.
Identifiers: ClinVar variation 2019700 (VCV002019700.4), dbSNP rs1567891662, ClinGen allele CA8816987.